The following is an entry in ClinVar:

NM_001365999.1(SZT2):c.7671C>T (p.Ile2557=)

Gene: SZT2 (SZT2 subunit of KICSTOR complex; plus strand). Cytogenetic location: 1p34.2.
Variant type: single nucleotide variant.
Coding change: c.7671C>T on transcript NM_001365999.1 (MANE Select); coding-DNA position 7671, C replaced by T.
Protein change: p.Ile2557=; no amino-acid change (isoleucine 2557 retained).
Molecular consequence: synonymous variant.
Genome position (GRCh38, 1-based): chr1:43,441,747, C>T. VCF-style: chr1-43441747-C-T. GRCh37 (hg19) VCF-style: chr1-43907418-C-T.
Other names: c.7500C>T, p.Ile2500= (NM_015284.4).
Identifiers: ClinVar variation 700383 (VCV000700383.40), dbSNP rs201311847, ClinGen allele CA810290.

ClinVar aggregate classification (germline): Likely benign. Review status: criteria provided, multiple submitters, no conflicts (2 of 4 stars). 7 submissions from 7 submitters: Likely benign (6). 1 of the submissions does not count toward it. Last evaluated 2025-08-25.

Conditions:
SZT2-related disorder. Also called: SZT2-related condition.
Inborn genetic diseases. Identifiers: MedGen C0950123, MeSH D030342.
Developmental and epileptic encephalopathy, 18 (DEE18). Also called: Early infantile epileptic encephalopathy 18. Identifiers: Orphanet 369894, MedGen C3809624, MONDO:0014201, OMIM 615476.

Allele frequency attached by ClinVar (database versions not stated): ExAC 0.00007; gnomAD exomes 0.00008 and 0.00026; TOPMed 0.00009; gnomAD 0.00011 and 0.00012; ESP Exome Variant Server 0.00015.
gnomAD v4.1: 381 of 1,614,090 alleles (0.024%); highest among the groups gnomAD compares: Non-Finnish European, 0.032%; 1 homozygote.

Submissions (7):

Labcorp Genetics (formerly Invitae), Labcorp
Classification: Likely benign. Last evaluated: 2025-08-25. Review status: criteria provided, single submitter. Criteria: Invitae Variant Classification Sherloc (09022015). Collection method: clinical testing. Allele origin: germline.

Blueprint Genetics
Classification: Likely benign. Last evaluated: 2024-11-26. Review status: criteria provided, single submitter. Criteria: ACMG Guidelines, 2015. Collection method: clinical testing. Allele origin: germline.

Women's Health and Genetics/Laboratory Corporation of America, LabCorp
Classification: Likely benign. Last evaluated: 2024-03-05. Review status: criteria provided, single submitter. Criteria: LabCorp Variant Classification Summary - May 2015. Collection method: clinical testing. Allele origin: germline.

Genome-Nilou Lab
Classification: Likely benign for Developmental and epileptic encephalopathy, 18. Last evaluated: 2023-04-11. Review status: criteria provided, single submitter. Criteria: ACMG Guidelines, 2015. Collection method: clinical testing. Allele origin: germline. Affected: no.

CeGaT Center for Human Genetics Tuebingen
Classification: Likely benign. Last evaluated: 2022-10-01. Review status: criteria provided, single submitter. Criteria: CeGaT Center For Human Genetics Tuebingen Variant Classification Criteria Version 2. Collection method: clinical testing. Allele origin: germline. Affected: yes. Observed: 1 variant allele.
Comment: SZT2: BP4, BP7

Ambry Genetics
Classification: Likely benign for Inborn genetic diseases. Last evaluated: 2018-03-06. Review status: criteria provided, single submitter. Criteria: Ambry Variant Classification Scheme 2023. Collection method: clinical testing. Allele origin: germline.

PreventionGenetics, part of Exact Sciences
Classification: Likely benign for SZT2-related condition. Last evaluated: 2024-01-19. Review status: no assertion criteria provided. Collection method: clinical testing. Allele origin: germline. Not counted in ClinVar's aggregate classification.
Comment: This variant is classified as likely benign based on ACMG/AMP sequence variant interpretation guidelines (Richards et al. 2015 PMID: 25741868, with internal and published modifications).